The following is an entry in ClinVar:

NM_006231.4(POLE):c.2042G>T (p.Ser681Ile)

Gene: POLE (DNA polymerase epsilon, catalytic subunit; minus strand). Cytogenetic location: 12q24.33.
Variant type: single nucleotide variant.
Coding change: c.2042G>T on transcript NM_006231.4 (MANE Select); coding-DNA position 2042, G replaced by T.
Protein change: p.Ser681Ile; replaces serine 681 with isoleucine.
Molecular consequence: missense variant.
Genome position (GRCh38, 1-based): chr12:132,668,487, C>A on the plus strand (G>T on the coding strand, the complement: POLE is on the minus strand). VCF-style: chr12-132668487-C-A. GRCh37 (hg19) VCF-style: chr12-133245073-C-A.
Other names: short protein forms S681I.
Identifiers: ClinVar variation 2002574 (VCV002002574.4), dbSNP rs1206287735, ClinGen allele CA387354398.

ClinVar aggregate classification (germline): Uncertain significance (1 of 4 stars; one submission).

gnomAD v4.1: 1 of 1,598,892 alleles (0.000063%); highest among the groups gnomAD compares: Non-Finnish European, 0.000085%; no homozygotes.

Submission:

Labcorp Genetics (formerly Invitae), Labcorp
Classification: Uncertain significance. Last evaluated: 2022-07-07. Review status: criteria provided, single submitter. Criteria: Invitae Variant Classification Sherloc (09022015). Collection method: clinical testing. Allele origin: germline.
Comment: This sequence change replaces serine, which is neutral and polar, with isoleucine, which is neutral and non-polar, at codon 681 of the POLE protein (p.Ser681Ile). This variant is not present in population databases (gnomAD no frequency). This variant has not been reported in the literature in individuals affected with POLE-related conditions. Algorithms developed to predict the effect of missense changes on protein structure and function are either unavailable or do not agree on the potential impact of this missense change (SIFT: "Deleterious"; PolyPhen-2: "Probably Damaging"; Align-GVGD: "Class C15"). In summary, the available evidence is currently insufficient to determine the role of this variant in disease. Therefore, it has been classified as a Variant of Uncertain Significance.